The following is an entry in ClinVar:

NM_015338.6(ASXL1):c.1925_1926insC (p.Gly643fs)

Gene: ASXL1 (ASXL transcriptional regulator 1; plus strand). Cytogenetic location: 20q11.21.
Variant type: Insertion.
Coding change: c.1925_1926insC on transcript NM_015338.6 (MANE Select); coding-DNA positions 1925 to 1926, C inserted.
Protein change: p.Gly643fs; shifts the reading frame from glycine 643.
Molecular consequence: frameshift variant.
Genome position: GRCh38 VCF-style: chr20-32434637-G-GC. GRCh37 (hg19) VCF-style: chr20-31022440-G-GC.
Other names: c.1742_1743insC, p.Gly582fs (NM_001363734.1); short protein forms G643fs, G582fs.
Identifiers: ClinVar variation 2020014 (VCV002020014.4), dbSNP rs2515553570, ClinGen allele CA2580098091.

ClinVar aggregate classification (germline): Pathogenic (1 of 4 stars; one submission).

Submission:

Labcorp Genetics (formerly Invitae), Labcorp
Classification: Pathogenic. Last evaluated: 2024-10-07. Review status: criteria provided, single submitter. Criteria: Invitae Variant Classification Sherloc (09022015). Collection method: clinical testing. Allele origin: germline.
Comment: This sequence change creates a premature translational stop signal (p.Gly643Argfs*15) in the ASXL1 gene. While this is not anticipated to result in nonsense mediated decay, it is expected to disrupt the last 899 amino acid(s) of the ASXL1 protein. This variant is not present in population databases (gnomAD no frequency). This variant has not been reported in the literature in individuals affected with ASXL1-related conditions. ClinVar contains an entry for this variant (Variation ID: 2020014). This variant disrupts a region of the ASXL1 protein in which other variant(s) (p.Glu1400*) have been determined to be pathogenic (PMID: 31969346). This suggests that this is a clinically significant region of the protein, and that variants that disrupt it are likely to be disease-causing. For these reasons, this variant has been classified as Pathogenic.

Literature cited by the submitters: PubMed 31969346.